The following is an entry in ClinVar:

ClinVar aggregate classification (germline): Uncertain significance (1 of 4 stars; one submission).

Submission:

CeGaT Center for Human Genetics Tuebingen
Classification: Uncertain significance. Last evaluated: 2025-01-01. Review status: criteria provided, single submitter. Criteria: CeGaT Center For Human Genetics Tuebingen Variant Classification Criteria Version 2. Collection method: clinical testing. Allele origin: germline. Affected: yes. Observed: 1 variant allele.
Comment: POMGNT1: PM2, PVS1:Moderate

NM_017739.4(POMGNT1):c.1605-2A>C

Genes: POMGNT1 (protein O-linked mannose N-acetylglucosaminyltransferase 1 (beta 1,2-); minus strand), TSPAN1 (tetraspanin 1; plus strand). Cytogenetic location: 1p34.1.
Variant type: single nucleotide variant.
Coding change: c.1605-2A>C on transcript NM_017739.4 (MANE Select); the canonical splice acceptor site of the intron before coding-DNA position 1605, A replaced by C.
Molecular consequence: splice acceptor variant.
Genome position (GRCh38, 1-based): chr1:46,190,519, T>G on the plus strand (A>C on the coding strand, the complement: POMGNT1 is on the minus strand). VCF-style: chr1-46190519-T-G. GRCh37 (hg19) VCF-style: chr1-46656191-T-G.
Other names: c.1605-2A>C (NM_001243766.2, NM_001438686.1, NM_001438688.1 and 3 more transcripts); c.1539-2A>C (NM_001290129.3, NM_001438691.1, NM_001438692.1); c.1176-2A>C (NM_001290130.2).
Identifiers: ClinVar variation 3772263 (VCV003772263.13).
Genomic context (GRCh38, chr1:46,190,519, plus strand): 5'-GTCCTAGGCCATACCTGAGCAGCCTGTGAACTTCCACTTCATAAGCTTCTTTCTTCAGAC[T>G]GAAGAGGAGGGAGAAATGGGTCAGGGGAGTGGGCAGGCCCTCAGGTCCCATGGGTAGCAC-3'